The following is an entry in ClinVar:

ClinVar aggregate classification (germline): Uncertain significance. Review status: criteria provided, multiple submitters, no conflicts (2 of 4 stars). 2 submissions from 2 submitters: Uncertain significance (2). Last evaluated 2025-10-27.

Conditions:
Inborn genetic diseases. Identifiers: MedGen C0950123, MeSH D030342.

Allele frequency attached by ClinVar (database versions not stated): TOPMed below 0.00001; ExAC 0.00001; gnomAD exomes 0.00001.
gnomAD v4.1: 14 of 1,614,052 alleles (0.00087%); highest among the groups gnomAD compares: Non-Finnish European, 0.000085%; no homozygotes.

Submissions (2):

Labcorp Genetics (formerly Invitae), Labcorp
Classification: Uncertain significance. Last evaluated: 2025-10-27. Review status: criteria provided, single submitter. Criteria: Invitae Variant Classification Sherloc (09022015). Collection method: clinical testing. Allele origin: germline.
Comment: This sequence change replaces proline, which is neutral and non-polar, with arginine, which is basic and polar, at codon 388 of the MBD4 protein (p.Pro388Arg). This variant is present in population databases (rs748834984, gnomAD 0.07%). This variant has not been reported in the literature in individuals affected with MBD4-related conditions. ClinVar contains an entry for this variant (Variation ID: 2173823). An algorithm developed to predict the effect of missense changes on protein structure and function (PolyPhen-2) suggests that this variant is likely to be tolerated. In summary, the available evidence is currently insufficient to determine the role of this variant in disease. Therefore, it has been classified as a Variant of Uncertain Significance.

Ambry Genetics
Classification: Uncertain significance for Inborn genetic diseases. Last evaluated: 2025-08-29. Review status: criteria provided, single submitter. Criteria: Ambry Variant Classification Scheme 2023. Collection method: clinical testing. Allele origin: germline.

NM_001276270.2(MBD4):c.1163C>G (p.Pro388Arg)

Gene: MBD4 (methyl-CpG binding domain 4, DNA glycosylase; minus strand). Cytogenetic location: 3q21.3.
Variant type: single nucleotide variant.
Coding change: c.1163C>G on transcript NM_001276270.2 (MANE Select); coding-DNA position 1163, C replaced by G.
Protein change: p.Pro388Arg; replaces proline 388 with arginine.
Molecular consequence: missense variant. On other transcripts: intron variant (1).
Genome position (GRCh38, 1-based): chr3:129,436,481, G>C on the plus strand (C>G on the coding strand, the complement: MBD4 is on the minus strand). VCF-style: chr3-129436481-G-C. GRCh37 (hg19) VCF-style: chr3-129155324-G-C.
Other names: c.1163C>G, p.Pro388Arg (NM_001276271.2, NM_001276272.2, NM_003925.3); c.247+1327C>G (NM_001276273.2); short protein forms P388R.
Identifiers: ClinVar variation 2173823 (VCV002173823.6), dbSNP rs748834984, ClinGen allele CA2605407.
Genomic context (GRCh38, chr3:129,436,481, plus strand): 5'-AGTGCTTGAAAGCACTGGATACCTTGAAATATTTTCTCACCAGTGAAGTCTTTCCTGGTT[G>C]GTGAGCAGTTGTTGTCCATTTCAGAGCCACGTTTTAAAATGTCAGTATGCAAATGTTCTT-3'
Protein context (NP_001263199.1, residues 378-398): RGSEMDNNCS[Pro388Arg]TRKDFTEDTI